The following is an entry in ClinVar:

ClinVar aggregate classification (germline): Likely benign. Review status: criteria provided, multiple submitters, no conflicts (2 of 4 stars). 2 submissions from 2 submitters: Likely benign (2). Last evaluated 2025-12-21.

Allele frequency attached by ClinVar (database versions not stated): ESP Exome Variant Server 0.00023; ExAC 0.00032; gnomAD 0.00040; TOPMed 0.00040; gnomAD exomes 0.00078.
gnomAD v4.1: 1,167 of 1,594,320 alleles (0.073%); highest among the groups gnomAD compares: Non-Finnish European, 0.094%; 3 homozygotes.

Submissions (3):

Labcorp Genetics (formerly Invitae), Labcorp
Classification: Likely benign. Last evaluated: 2025-12-21. Review status: criteria provided, single submitter. Criteria: Invitae Variant Classification Sherloc (09022015). Collection method: clinical testing. Allele origin: germline.

CeGaT Center for Human Genetics Tuebingen
Classification: Likely benign. Last evaluated: 2022-05-01. Review status: criteria provided, single submitter. Criteria: CeGaT Center For Human Genetics Tuebingen Variant Classification Criteria Version 2. Collection method: clinical testing. Allele origin: germline. Affected: yes. Observed: 1 variant allele.
Comment: ZMIZ1: BP4

Dr. Peter K. Rogan Lab, Western University
No classification provided (evidence only). Condition: Hepatocellular carcinoma. Review status: no classification provided. Collection method: in vitro. Allele origin: not applicable. Functional consequence: retained intron. Not counted in ClinVar's aggregate classification.

NM_020338.4(ZMIZ1):c.1665A>G (p.Pro555=)

Gene: ZMIZ1 (zinc finger MIZ-type containing 1; plus strand). Cytogenetic location: 10q22.3.
Variant type: single nucleotide variant.
Coding change: c.1665A>G on transcript NM_020338.4 (MANE Select); coding-DNA position 1665, A replaced by G.
Protein change: p.Pro555=; no amino-acid change (proline 555 retained).
Molecular consequence: synonymous variant.
Genome position (GRCh38, 1-based): chr10:79,298,579, A>G. VCF-style: chr10-79298579-A-G. GRCh37 (hg19) VCF-style: chr10-81058336-A-G.
Identifiers: ClinVar variation 2074647 (VCV002074647.29), dbSNP rs146374216, ClinGen allele CA5572748.